The following is an entry in ClinVar:

ClinVar aggregate classification (germline): Pathogenic/Likely pathogenic. Review status: criteria provided, multiple submitters, no conflicts (2 of 4 stars). 4 submissions from 4 submitters: Pathogenic (3); Likely pathogenic (1). Last evaluated 2025-08-21.

Conditions:
Inborn genetic diseases. Identifiers: MedGen C0950123, MeSH D030342.
Intellectual developmental disorder, X-linked, syndromic, Houge type. Also called: MENTAL RETARDATION, X-LINKED, SYNDROMIC, HOUGE TYPE; Intellectual disability, X-linked, syndromic, Houge type. Identifiers: MedGen C4538788, MONDO:0030909, OMIM 301008.

Submissions (4):

Ambry Genetics
Classification: Pathogenic for Inborn genetic diseases. Last evaluated: 2025-08-21. Review status: criteria provided, single submitter. Criteria: Ambry Variant Classification Scheme 2023. Collection method: clinical testing. Allele origin: germline.
Comment: The c.2185C>T (p.R729*) alteration, located in exon 20 (coding exon 20) of the CNKSR2 gene, consists of a C to T substitution at nucleotide position 2185. This changes the amino acid from an arginine (R) to a stop codon at amino acid position 729. This alteration is expected to result in loss of function by premature protein truncation or nonsense-mediated mRNA decay. This variant was not reported in population-based cohorts in the Genome Aggregation Database (gnomAD). This variant was determined to be de novo in at least one individual with features consistent with CNKSR2-related neurodevelopmental disorder (Sun, 2018). Based on the available evidence, this alteration is classified as pathogenic.

3billion
Classification: Pathogenic for Intellectual developmental disorder, X-linked, syndromic, Houge type. Last evaluated: 2024-09-30. Review status: criteria provided, single submitter. Criteria: ACMG Guidelines, 2015. Collection method: clinical testing. Allele origin: germline. Affected: yes.
Comment: The variant is not observed in the gnomAD v4.1.0 dataset. Predicted Consequence/Location: Stop-gained (nonsense): predicted to result in a loss or disruption of normal protein function through nonsense-mediated decay (NMD) or protein truncation. Multiple pathogenic variants are reported downstream of the variant. The variant has been previously reported as assumed (i.e. paternity and maternity not confirmed) de novo in at least one similarly affected unrelated individual (PMID: 30397616). The variant has been reported to be associated with CNKSR2 related disorder (ClinVar ID: VCV002502319 /PMID: 30397616). Therefore, this variant is classified as Pathogenic according to the recommendation of ACMG/AMP guideline.

GeneDx
Classification: Pathogenic. Last evaluated: 2024-09-10. Review status: criteria provided, single submitter. Criteria: GeneDx Variant Classification Process June 2021. Collection method: clinical testing. Allele origin: germline. Affected: yes.
Comment: Nonsense variant predicted to result in protein truncation or nonsense mediated decay in a gene for which loss of function is a known mechanism of disease; Not observed at significant frequency in large population cohorts (gnomAD); This variant is associated with the following publications: (PMID: 31414730, 37929438, 32197126, 38337158, 34114993, 30397616, 32245427, 35053419)

HUSP Clinical Genetics Laboratory, Hospital Universitario San Pedro De Logroño (HUSP)
Classification: Likely pathogenic for Intellectual developmental disorder, X-linked, syndromic, Houge type. Review status: criteria provided, single submitter. Criteria: ACMG Guidelines, 2015. Collection method: clinical testing. Allele origin: de novo. Inheritance: X-linked inheritance. Affected: yes. Observed: 1 variant allele.
Comment: The c.2185C>T variant in the CNKSR2 (NM_014927.5) gene is a results in a premature stop codon (p.Arg729Ter). This variant has not been reported previously in the literature and it is not detected in general population. Pathogenic variants in the CNKSR2 gene have been associated with the following phenotype: Intellectual developmental disorder, X-linked syndromic, Houge type (OMIM 301008), with X-linked inheritance.

Literature cited by the submitters: PubMed 30397616 (cited by Ambry Genetics and 3billion).

NM_014927.5(CNKSR2):c.2185C>T (p.Arg729Ter)

Gene: CNKSR2 (connector enhancer of kinase suppressor of Ras 2; plus strand). Cytogenetic location: Xp22.12.
Variant type: single nucleotide variant.
Coding change: c.2185C>T on transcript NM_014927.5 (MANE Select); coding-DNA position 2185, C replaced by T.
Protein change: p.Arg729Ter; replaces arginine 729 with a stop codon.
Molecular consequence: nonsense.
Genome position (GRCh38, 1-based): chrX:21,609,110, C>T. VCF-style: chrX-21609110-C-T. GRCh37 (hg19) VCF-style: chrX-21627228-C-T.
Other names: c.2095C>T, p.Arg699Ter (NM_001168647.3, NM_001330773.2); c.2185C>T, p.Arg729Ter (NM_001168648.3); c.2038C>T, p.Arg680Ter (NM_001168649.3, NM_001330770.2); c.1948C>T, p.Arg650Ter (NM_001330771.2, NM_001330772.2); c.2185C>T (NM_014927.3); short protein forms R650*, R680*, R699*, R729*.
Identifiers: ClinVar variation 2502319 (VCV002502319.5), dbSNP rs2519358174, ClinGen allele CA412557945.